The following is an entry in ClinVar:

ClinVar aggregate classification (germline): Uncertain significance (1 of 4 stars; one submission).

gnomAD v4.1: 2 of 1,612,510 alleles (0.00012%); highest among the groups gnomAD compares: East Asian, 0.0022%; no homozygotes.

Submission:

GeneDx
Classification: Uncertain significance. Last evaluated: 2024-08-01. Review status: criteria provided, single submitter. Criteria: GeneDx Variant Classification Process June 2021. Collection method: clinical testing. Allele origin: germline. Affected: yes.
Comment: Not observed at significant frequency in large population cohorts (gnomAD); In silico analysis indicates that this missense variant does not alter protein structure/function; Has not been previously published as pathogenic or benign to our knowledge

NM_001378454.1(ALMS1):c.1349A>G (p.Glu450Gly)

Gene: ALMS1 (ALMS1 centrosome and basal body associated protein; plus strand). Cytogenetic location: 2p13.1.
Variant type: single nucleotide variant.
Coding change: c.1349A>G on transcript NM_001378454.1 (MANE Select); coding-DNA position 1349, A replaced by G.
Protein change: p.Glu450Gly; replaces glutamic acid 450 with glycine.
Molecular consequence: missense variant.
Genome position (GRCh38, 1-based): chr2:73,432,208, A>G. VCF-style: chr2-73432208-A-G. GRCh37 (hg19) VCF-style: chr2-73659336-A-G.
Other names: c.1352A>G, p.Glu451Gly (NM_015120.4); short protein forms E450G, E451G.
Identifiers: ClinVar variation 3602215 (VCV003602215.1).